The following is an entry in ClinVar:

ClinVar aggregate classification (germline): Pathogenic (1 of 4 stars; one submission).

Conditions:
Hereditary diffuse gastric adenocarcinoma (HDGC). Also called: DIFFUSE GASTRIC AND LOBULAR BREAST CANCER SYNDROME. Identifiers: Orphanet 26106, MedGen C1708349, MONDO:0007648, OMIM 137215.

Submission:

European Reference Network on Genetic Tumour Risk Syndromes (ERN-GENTURIS), i3s - Instituto de Investigação e Inovação em Saúde, University of Porto
Classification: Pathogenic for Hereditary diffuse gastric adenocarcinoma. Last evaluated: 2022-08-01. Review status: criteria provided, single submitter. Criteria: Lee et al. (Hum Mutat. 2018). Collection method: clinical testing. Allele origin: germline. Inheritance: Autosomal dominant inheritance. Affected: yes. Study: ERN GENTURIS.
Comment: PVS1; PS4_Moderate; PM2 (PMID: 30311375)

Literature cited by the submitters: PubMed 36436516.

NM_004360.5(CDH1):c.1416dup (p.Val473fs)

Gene: CDH1 (cadherin 1; plus strand). Cytogenetic location: 16q22.1.
Variant type: Duplication.
Coding change: c.1416dup on transcript NM_004360.5 (MANE Select); coding-DNA position 1416, one base duplicated (C; older notation c.1416dupC).
Protein change: p.Val473fs; shifts the reading frame from valine 473.
Molecular consequence: frameshift variant. On other transcripts: 5 prime UTR variant (2).
Genome position (GRCh38, 1-based): chr16:68,815,610, C duplicated; the last of 2 consecutive C bases (chr16:68,815,609-68,815,610); duplicating either gives the same sequence. VCF-style (leftmost placement, unchanged base first): chr16-68815608-A-AC. GRCh37 (hg19) VCF-style: chr16-68849511-A-AC.
Other names: c.1233dup, p.Val412fs (NM_001317184.2); c.-133dup (NM_001317185.2); c.-404dup (NM_001317186.2); short protein forms V412fs, V473fs.
Identifiers: ClinVar variation 2502958 (VCV002502958.1), dbSNP rs2543930674, ClinGen allele CA2580612856.